The following is an entry in ClinVar:

ClinVar aggregate classification (germline): Uncertain significance (1 of 4 stars; one submission).

Submission:

Labcorp Genetics (formerly Invitae), Labcorp
Classification: Uncertain significance. Last evaluated: 2017-08-11. Review status: criteria provided, single submitter. Criteria: Invitae Variant Classification Sherloc (09022015). Collection method: clinical testing. Allele origin: germline.
Comment: Algorithms developed to predict the effect of missense changes on protein structure and function (SIFT, PolyPhen-2, Align-GVGD) all suggest that this variant is likely to be disruptive, but these predictions have not been confirmed by published functional studies and their clinical significance is uncertain. This variant has not been reported in the literature in individuals with EIF4A3-related disease. This variant is not present in population databases (ExAC no frequency). This sequence change replaces arginine with tryptophan at codon 316 of the EIF4A3 protein (p.Arg316Trp). The arginine residue is highly conserved and there is a moderate physicochemical difference between arginine and tryptophan. In summary, the available evidence is currently insufficient to determine the role of this variant in disease. Therefore, it has been classified as a Variant of Uncertain Significance.

NM_014740.4(EIF4A3):c.946C>T (p.Arg316Trp)

Gene: EIF4A3 (eukaryotic translation initiation factor 4A3; minus strand). Cytogenetic location: 17q25.3.
Variant type: single nucleotide variant.
Coding change: c.946C>T on transcript NM_014740.4 (MANE Select); coding-DNA position 946, C replaced by T.
Protein change: p.Arg316Trp; replaces arginine 316 with tryptophan.
Molecular consequence: missense variant.
Genome position (GRCh38, 1-based): chr17:80,137,423, G>A on the plus strand (C>T on the coding strand, the complement: EIF4A3 is on the minus strand). VCF-style: chr17-80137423-G-A. GRCh37 (hg19) VCF-style: chr17-78111222-G-A.
Other names: short protein forms R316W.
Identifiers: ClinVar variation 1042398 (VCV001042398.8), dbSNP rs2039580889, ClinGen allele CA401334413.